The following is an entry in ClinVar:

NM_152383.5(DIS3L2):c.904A>G (p.Ile302Val)

Gene: DIS3L2 (DIS3 like 3'-5' exoribonuclease 2; plus strand). Cytogenetic location: 2q37.1.
Variant type: single nucleotide variant.
Coding change: c.904A>G on transcript NM_152383.5 (MANE Select); coding-DNA position 904, A replaced by G.
Protein change: p.Ile302Val; replaces isoleucine 302 with valine.
Molecular consequence: missense variant. On other transcripts: non-coding transcript variant (1).
Genome position (GRCh38, 1-based): chr2:232,136,673, A>G. VCF-style: chr2-232136673-A-G. GRCh37 (hg19) VCF-style: chr2-233001383-A-G.
Other names: c.904A>G, p.Ile302Val (NM_001257281.2); short protein forms I302V.
Identifiers: ClinVar variation 1362728 (VCV001362728.8), dbSNP rs922412610, ClinGen allele CA351153843.

ClinVar aggregate classification (germline): Uncertain significance (1 of 4 stars; one submission).

Conditions:
Perlman syndrome (PRLMNS). Identifiers: Orphanet 2849, MedGen C0796113, MONDO:0009965, OMIM 267000.

Submission:

Labcorp Genetics (formerly Invitae), Labcorp
Classification: Uncertain significance for Perlman syndrome. Last evaluated: 2021-06-20. Review status: criteria provided, single submitter. Criteria: Invitae Variant Classification Sherloc (09022015). Collection method: clinical testing. Allele origin: germline.
Comment: This sequence change replaces isoleucine with valine at codon 302 of the DIS3L2 protein (p.Ile302Val). The isoleucine residue is moderately conserved and there is a small physicochemical difference between isoleucine and valine. In summary, the available evidence is currently insufficient to determine the role of this variant in disease. Therefore, it has been classified as a Variant of Uncertain Significance. Algorithms developed to predict the effect of missense changes on protein structure and function output the following: SIFT: "Tolerated"; PolyPhen-2: "Benign"; Align-GVGD: "Class C0". The valine amino acid residue is found in multiple mammalian species, suggesting that this missense change does not adversely affect protein function. These predictions have not been confirmed by published functional studies and their clinical significance is uncertain. This variant has not been reported in the literature in individuals with DIS3L2-related conditions. This variant is not present in population databases (ExAC no frequency).